The following is an entry in ClinVar:

ClinVar aggregate classification (germline): Pathogenic/Likely pathogenic. Review status: criteria provided, multiple submitters, no conflicts (2 of 4 stars). 3 submissions from 3 submitters: Pathogenic (2); Likely pathogenic (1). Last evaluated 2026-03-21.

Conditions:
Leber congenital amaurosis (LCA). Also called: Leber's amaurosis. Identifiers: Orphanet 65, MedGen C0339527, MeSH D057130, MONDO:0018998.
Meckel-Gruber syndrome. Also called: DYSENCEPHALIA SPLANCHNOCYSTICA; Dysencephalia splachnocystica; GRUBER SYNDROME. Identifiers: Orphanet 564, MedGen C0265215, MONDO:0018921.
Joubert syndrome. Also called: JOUBERT-BOLTSHAUSER SYNDROME; Familial aplasia of the vermis. Identifiers: Orphanet 475, MedGen C5979921, MONDO:0018772.
Nephronophthisis. Also called: Juvenile Nephronophthisis. Identifiers: Orphanet 655, MedGen C0687120, MONDO:0019005, HP:0000090.
CEP290-related ciliopathy. Also called: CEP290 ciliopathy. Identifiers: MedGen CN305601, MONDO:0100451.

Submissions (3):

Myriad Genetics, Inc.
Classification: Pathogenic for CEP290-related ciliopathy. Last evaluated: 2026-03-21. Review status: criteria provided, single submitter. Criteria: Myriad Autosomal Dominant, Autosomal Recessive and X-Linked Classification Criteria (2023). Collection method: clinical testing. Allele origin: unknown.
Comment: NM_025114.3(CEP290):c.3022G>T(E1008*) is expected to be pathogenic in the context of CEP290-related disorders. This variant is predicted to lead to an abnormal or absent protein product due to the creation of a premature termination codon in CEP290, a gene where loss-of-function variants are known to be pathogenic. Please note: this variant was assessed in the context of healthy population screening.

Natera, Inc.
Classification: Likely pathogenic for Leber congenital amaurosis. Last evaluated: 2024-03-27. Review status: criteria provided, single submitter. Criteria: Natera Variant Classification Schema (03/2026). Collection method: clinical testing. Allele origin: germline.
Comment: The c.3022G>T variant in CEP290 is a nonsense variant predicted to introduce a stop codon at amino acid 1008. This variant is expected to result in nonsense mediated decay, truncation, or a dysfunctional protein product. This variant is rare in the general population with a frequency below the threshold expected for the associated phenotype(s). Given the available evidence, this variant is classified as Likely Pathogenic.

Labcorp Genetics (formerly Invitae), Labcorp
Classification: Pathogenic for Joubert syndrome; Meckel-Gruber syndrome; Nephronophthisis. Last evaluated: 2020-03-14. Review status: criteria provided, single submitter. Criteria: Invitae Variant Classification Sherloc (09022015). Collection method: clinical testing. Allele origin: germline.
Comment: For these reasons, this variant has been classified as Pathogenic. Loss-of-function variants in CEP290 are known to be pathogenic (PMID: 16909394, 17345604, 20690115, 25377065, 28559085). This variant has not been reported in the literature in individuals with CEP290-related conditions. This variant is not present in population databases (ExAC no frequency). This sequence change creates a premature translational stop signal (p.Glu1008*) in the CEP290 gene. It is expected to result in an absent or disrupted protein product.

Literature cited by the submitters: PubMed 16909394 (cited by Labcorp Genetics (formerly Invitae), Labcorp); PubMed 17345604 (cited by Labcorp Genetics (formerly Invitae), Labcorp); PubMed 20690115 (cited by Labcorp Genetics (formerly Invitae), Labcorp); PubMed 25377065 (cited by Labcorp Genetics (formerly Invitae), Labcorp); PubMed 28559085 (cited by Labcorp Genetics (formerly Invitae), Labcorp).

NM_025114.4(CEP290):c.3022G>T (p.Glu1008Ter)

Gene: CEP290 (centrosomal protein 290; minus strand). Cytogenetic location: 12q21.32.
Variant type: single nucleotide variant.
Coding change: c.3022G>T on transcript NM_025114.4 (MANE Select); coding-DNA position 3022, G replaced by T.
Protein change: p.Glu1008Ter; replaces glutamic acid 1008 with a stop codon.
Molecular consequence: nonsense.
Genome position (GRCh38, 1-based): chr12:88,096,969, C>A on the plus strand (G>T on the coding strand, the complement: CEP290 is on the minus strand). VCF-style: chr12-88096969-C-A. GRCh37 (hg19) VCF-style: chr12-88490746-C-A.
Other names: c.3022G>T (NM_025114.3); short protein forms E1008*.
Identifiers: ClinVar variation 1070079 (VCV001070079.9), dbSNP rs2037477197, ClinGen allele CA386007140.